The following is an entry in ClinVar:

ClinVar aggregate classification (germline): Uncertain significance. Review status: criteria provided, multiple submitters, no conflicts (2 of 4 stars). 3 submissions from 3 submitters: Uncertain significance (3). Last evaluated 2024-07-11.

Conditions:
Polycystic kidney disease 4 (PKD4). Also called: PKD3; POLYCYSTIC KIDNEY DISEASE 4 WITH OR WITHOUT POLYCYSTIC LIVER DISEASE; Autosomal Recessive Polycystic Kidney Disease – PKHD1; POLYCYSTIC KIDNEY AND HEPATIC DISEASE 1; POLYCYSTIC KIDNEY DISEASE, INFANTILE, TYPE I. Identifiers: MedGen C4540575, MONDO:0033004, OMIM 263200.

Allele frequency attached by ClinVar (database versions not stated): TOPMed below 0.00001; gnomAD 0.00004; gnomAD exomes 0.00004; ExAC 0.00014; 1000 Genomes Project 0.00060; 1000 Genomes Project 30x 0.00062.
gnomAD v4.1: 67 of 1,608,982 alleles (0.0042%); highest among the groups gnomAD compares: South Asian, 0.071%; no homozygotes.

Submissions (3):

GeneDx
Classification: Uncertain significance. Last evaluated: 2024-07-11. Review status: criteria provided, single submitter. Criteria: GeneDx Variant Classification Process June 2021. Collection method: clinical testing. Allele origin: germline. Affected: yes.
Comment: In silico analysis supports that this missense variant has a deleterious effect on protein structure/function; Has not been previously published as pathogenic or benign to our knowledge

Fulgent Genetics
Classification: Uncertain significance for Polycystic kidney disease 4. Last evaluated: 2024-04-24. Review status: criteria provided, single submitter. Criteria: ACMG Guidelines, 2015. Collection method: clinical testing. Allele origin: germline.

Revvity Omics, Revvity
Classification: Uncertain significance for Polycystic kidney disease 4. Last evaluated: 2021-10-08. Review status: criteria provided, single submitter. Criteria: ACMG Guidelines, 2015. Collection method: clinical testing. Allele origin: germline.

NM_138694.4(PKHD1):c.11347C>G (p.Pro3783Ala)

Gene: PKHD1 (PKHD1 ciliary IPT domain containing fibrocystin/polyductin; minus strand). Cytogenetic location: 6p12.3.
Variant type: single nucleotide variant.
Coding change: c.11347C>G on transcript NM_138694.4 (MANE Select); coding-DNA position 11347, C replaced by G.
Protein change: p.Pro3783Ala; replaces proline 3783 with alanine.
Molecular consequence: missense variant.
Genome position (GRCh38, 1-based): chr6:51,648,082, G>C on the plus strand (C>G on the coding strand, the complement: PKHD1 is on the minus strand). VCF-style: chr6-51648082-G-C. GRCh37 (hg19) VCF-style: chr6-51512880-G-C.
Other names: c.11347C>G (NM_138694.3); short protein forms P3783A.
Identifiers: ClinVar variation 2434885 (VCV002434885.5), dbSNP rs549556243, ClinGen allele CA3850884.